The following is an entry in ClinVar:

ClinVar aggregate classification (germline): Benign. Review status: criteria provided, multiple submitters, no conflicts (2 of 4 stars). 4 submissions from 4 submitters: Benign (3). 1 of the submissions does not count toward it. Last evaluated 2026-01-28.

Conditions:
ABCD3-related disorder. Also called: ABCD3-related condition.

Allele frequency attached by ClinVar (database versions not stated): gnomAD exomes 0.00025 and 0.00068; ExAC 0.00100; gnomAD 0.00283 and 0.00308; TOPMed 0.00327; 1000 Genomes Project 0.00359; 1000 Genomes Project 30x 0.00359; ESP Exome Variant Server 0.00362.
gnomAD v4.1: 808 of 1,612,390 alleles (0.05%); highest among the groups gnomAD compares: African/African-American, 0.97%; no homozygotes.

Submissions (4):

PreventionGenetics, part of Exact Sciences
Classification: Benign for ABCD3-related condition. Last evaluated: 2026-01-28. Review status: criteria provided, single submitter. Criteria: ACMG Guidelines, 2015. Collection method: clinical testing. Allele origin: germline.
Comment: This variant is classified as benign based on ACMG/AMP sequence variant interpretation guidelines (Richards et al. 2015 PMID: 25741868, with internal and published modifications).

Labcorp Genetics (formerly Invitae), Labcorp
Classification: Benign. Last evaluated: 2026-01-27. Review status: criteria provided, single submitter. Criteria: Invitae Variant Classification Sherloc (09022015). Collection method: clinical testing. Allele origin: germline.

Breakthrough Genomics
Classification: Benign. Review status: criteria provided, single submitter. Criteria: ACMG Guidelines, 2015. Collection method: not provided. Allele origin: germline. Inheritance: Autosomal recessive inheritance. Affected: yes.

Mayo Clinic Laboratories, Mayo Clinic
Classification: Likely benign. Last evaluated: 2017-09-27. Review status: no assertion criteria provided. Collection method: clinical testing. Allele origin: unknown. Not counted in ClinVar's aggregate classification.

NM_002858.4(ABCD3):c.1356A>G (p.Gly452=)

Gene: ABCD3 (ATP binding cassette subfamily D member 3; plus strand). Cytogenetic location: 1p21.3.
Variant type: single nucleotide variant.
Coding change: c.1356A>G on transcript NM_002858.4 (MANE Select); coding-DNA position 1356, A replaced by G.
Protein change: p.Gly452=; no amino-acid change (glycine 452 retained).
Molecular consequence: synonymous variant.
Genome position (GRCh38, 1-based): chr1:94,491,217, A>G. VCF-style: chr1-94491217-A-G. GRCh37 (hg19) VCF-style: chr1-94956773-A-G.
Identifiers: ClinVar variation 559033 (VCV000559033.14), dbSNP rs147293586, ClinGen allele CA960415.